The following is an entry in ClinVar:

NM_000179.3(MSH6):c.1217G>T (p.Cys406Phe)

Gene: MSH6 (mutS homolog 6; plus strand). Cytogenetic location: 2p16.3.
Variant type: single nucleotide variant.
Coding change: c.1217G>T on transcript NM_000179.3 (MANE Select); coding-DNA position 1217, G replaced by T.
Protein change: p.Cys406Phe; replaces cysteine 406 with phenylalanine.
Molecular consequence: missense variant.
Genome position (GRCh38, 1-based): chr2:47,799,200, G>T. VCF-style: chr2-47799200-G-T. GRCh37 (hg19) VCF-style: chr2-48026339-G-T.
Other names: c.827G>T, p.Cys276Phe (NM_001281492.2); c.311G>T, p.Cys104Phe (NM_001281493.2, NM_001281494.2); short protein forms C276F, C104F, C406F.
Identifiers: ClinVar variation 1355748 (VCV001355748.6), dbSNP rs1114167789, ClinGen allele CA346743539.
Genomic context (GRCh38, chr2:47,799,200, plus strand): 5'-CTGATCACCCCGATTTTGATGCATCTACACTCTATGTGCCTGAGGATTTCCTCAATTCTT[G>T]TACTCCTGGGATGAGGAAGTGGTGGCAGATTAAGTCTCAGAACTTTGATCTTGTCATCTG-3'
Protein context (NP_000170.1, residues 396-416): LYVPEDFLNS[Cys406Phe]TPGMRKWWQI

ClinVar aggregate classification (germline): Uncertain significance (1 of 4 stars; one submission).

Conditions:
Hereditary nonpolyposis colorectal neoplasms. Identifiers: MedGen C0009405, MeSH D003123.

Submission:

Labcorp Genetics (formerly Invitae), Labcorp
Classification: Uncertain significance for Hereditary nonpolyposis colorectal neoplasms. Last evaluated: 2021-09-28. Review status: criteria provided, single submitter. Criteria: Invitae Variant Classification Sherloc (09022015). Collection method: clinical testing. Allele origin: germline.
Comment: Advanced modeling of protein sequence and biophysical properties (such as structural, functional, and spatial information, amino acid conservation, physicochemical variation, residue mobility, and thermodynamic stability) performed at Invitae indicates that this missense variant is not expected to disrupt MSH6 protein function. This sequence change replaces cysteine with phenylalanine at codon 406 of the MSH6 protein (p.Cys406Phe). The cysteine residue is moderately conserved and there is a large physicochemical difference between cysteine and phenylalanine. This variant is not present in population databases (ExAC no frequency). This variant has not been reported in the literature in individuals affected with MSH6-related conditions. In summary, the available evidence is currently insufficient to determine the role of this variant in disease. Therefore, it has been classified as a Variant of Uncertain Significance.